The following is an entry in ClinVar:

ClinVar aggregate classification (germline): Uncertain significance (1 of 4 stars; one submission).

Conditions:
Inborn genetic diseases. Identifiers: MedGen C0950123, MeSH D030342.

Allele frequency attached by ClinVar (database versions not stated): gnomAD exomes below 0.00001.
gnomAD v4.1: 1 of 1,614,212 alleles (0.000062%); highest among the groups gnomAD compares: Non-Finnish European, 0.000085%; no homozygotes.

Submission:

Ambry Genetics
Classification: Uncertain significance for Inborn genetic diseases. Last evaluated: 2023-11-06. Review status: criteria provided, single submitter. Criteria: Ambry Variant Classification Scheme 2023. Collection method: clinical testing. Allele origin: germline.
Comment: The p.H50L variant (also known as c.149A>T), located in coding exon 2 of the EPAS1 gene, results from an A to T substitution at nucleotide position 149. The histidine at codon 50 is replaced by leucine, an amino acid with similar properties. This amino acid position is conserved. In addition, this alteration is predicted to be tolerated by in silico analysis. Since supporting evidence is limited at this time, the clinical significance of this alteration remains unclear.

NM_001430.5(EPAS1):c.149A>T (p.His50Leu)

Gene: EPAS1 (endothelial PAS domain protein 1; plus strand). Cytogenetic location: 2p21.
Variant type: single nucleotide variant.
Coding change: c.149A>T on transcript NM_001430.5 (MANE Select); coding-DNA position 149, A replaced by T.
Protein change: p.His50Leu; replaces histidine 50 with leucine.
Molecular consequence: missense variant.
Genome position (GRCh38, 1-based): chr2:46,346,995, A>T. VCF-style: chr2-46346995-A-T. GRCh37 (hg19) VCF-style: chr2-46574134-A-T.
Other names: short protein forms H50L.
Identifiers: ClinVar variation 3221554 (VCV003221554.1), dbSNP rs2103616288, ClinGen allele CA346697133.